The following is an entry in ClinVar:

ClinVar aggregate classification (germline): Conflicting classifications of pathogenicity. Review status: criteria provided, conflicting classifications (1 of 4 stars). 4 submissions from 4 submitters: Uncertain significance (1); Likely benign (3). Last evaluated 2024-08-18.

Conditions:
Epilepsy, idiopathic generalized, susceptibility to, 13. Also called: EPILEPSY, JUVENILE MYOCLONIC, SUSCEPTIBILITY TO, 5. Identifiers: Orphanet 307, Orphanet 64280, MedGen C4013473, MONDO:0012627, OMIM 611136.
Epilepsy, childhood absence 4 (ECA4). Also called: EPILEPSY, CHILDHOOD ABSENCE, SUSCEPTIBILITY TO, 4. Identifiers: Orphanet 307, MedGen C1970160.
Idiopathic generalized epilepsy. Also called: EIG; Generalised epilepsy. Identifiers: MedGen C0270850, MONDO:0005579, OMIM 600669.
Inborn genetic diseases. Identifiers: MedGen C0950123, MeSH D030342.
Developmental and epileptic encephalopathy, 19 (DEE19). Also called: Epileptic encephalopathy, early infantile, 19. Identifiers: Orphanet 33069, MedGen C3810400, MONDO:0014328, OMIM 615744.

Allele frequency attached by ClinVar (database versions not stated): ExAC 0.00001; gnomAD 0.00001; TOPMed 0.00002.
gnomAD v4.1: 15 of 1,614,028 alleles (0.00093%); highest among the groups gnomAD compares: East Asian, 0.031%; no homozygotes.

Submissions (4):

Labcorp Genetics (formerly Invitae), Labcorp
Classification: Likely benign for Epilepsy, childhood absence 4; Epilepsy, idiopathic generalized, susceptibility to, 13; Idiopathic generalized epilepsy. Last evaluated: 2024-08-18. Review status: criteria provided, single submitter. Criteria: Invitae Variant Classification Sherloc (09022015). Collection method: clinical testing. Allele origin: germline.

CeGaT Center for Human Genetics Tuebingen
Classification: Likely benign. Last evaluated: 2024-05-01. Review status: criteria provided, single submitter. Criteria: CeGaT Center For Human Genetics Tuebingen Variant Classification Criteria Version 2. Collection method: clinical testing. Allele origin: germline. Affected: yes. Observed: 1 variant allele.
Comment: GABRA1: BS2

Ambry Genetics
Classification: Likely benign for Inborn genetic diseases. Last evaluated: 2023-05-03. Review status: criteria provided, single submitter. Criteria: Ambry Variant Classification Scheme 2023. Collection method: clinical testing. Allele origin: germline.

Revvity Omics, Revvity
Classification: Uncertain significance for Developmental and epileptic encephalopathy, 19. Last evaluated: 2022-07-28. Review status: criteria provided, single submitter. Criteria: ACMG Guidelines, 2015. Collection method: clinical testing. Allele origin: germline.

NM_001127644.2(GABRA1):c.1156T>G (p.Leu386Val)

Gene: GABRA1 (gamma-aminobutyric acid type A receptor subunit alpha1; plus strand). Cytogenetic location: 5q34.
Variant type: single nucleotide variant.
Coding change: c.1156T>G on transcript NM_001127644.2 (MANE Select); coding-DNA position 1156, T replaced by G.
Protein change: p.Leu386Val; replaces leucine 386 with valine.
Molecular consequence: missense variant.
Genome position (GRCh38, 1-based): chr5:161,897,207, T>G. VCF-style: chr5-161897207-T-G. GRCh37 (hg19) VCF-style: chr5-161324213-T-G.
Other names: c.1156T>G, p.Leu386Val (NM_000806.5, NM_001127643.2, NM_001127645.2 and 1 more transcripts); short protein forms L386V.
Identifiers: ClinVar variation 833861 (VCV000833861.33), dbSNP rs771316858, ClinGen allele CA3544590.
Genomic context (GRCh38, chr5:161,897,207, plus strand): 5'-AACACTTACGCTCCAACAGCAACCAGCTACACCCCTAATTTGGCCAGGGGCGACCCGGGC[T>G]TAGCCACCATTGCTAAAAGTGCAACCATAGAACCTAAAGAGGTCAAGCCCGAAACAAAAC-3'
Protein context (NP_001121116.1, residues 376-396): TPNLARGDPG[Leu386Val]ATIAKSATIE